The following is an entry in ClinVar:

NM_001102564.3(IFT43):c.98C>A (p.Ala33Asp)

Gene: IFT43 (intraflagellar transport 43; plus strand). Cytogenetic location: 14q24.3.
Variant type: single nucleotide variant.
Coding change: c.98C>A on transcript NM_001102564.3 (MANE Select); coding-DNA position 98, C replaced by A.
Protein change: p.Ala33Asp; replaces alanine 33 with aspartic acid.
Molecular consequence: missense variant. On other transcripts: non-coding transcript variant (2).
Genome position (GRCh38, 1-based): chr14:75,988,928, C>A. VCF-style: chr14-75988928-C-A. GRCh37 (hg19) VCF-style: chr14-76455271-C-A.
Other names: c.98C>A, p.Ala33Asp (NM_001255995.3, NM_052873.3); short protein forms A33D.
Identifiers: ClinVar variation 834416 (VCV000834416.10), dbSNP rs1340318259, ClinGen allele CA390472989.

ClinVar aggregate classification (germline): Uncertain significance (1 of 4 stars; one submission).

Allele frequency attached by ClinVar (database versions not stated): TOPMed below 0.00001; gnomAD 0.00001.
gnomAD v4.1: 1 of 1,613,844 alleles (0.000062%); highest among the groups gnomAD compares: Non-Finnish European, 0.000085%; no homozygotes.

Submission:

Labcorp Genetics (formerly Invitae), Labcorp
Classification: Uncertain significance. Last evaluated: 2019-12-31. Review status: criteria provided, single submitter. Criteria: Invitae Variant Classification Sherloc (09022015). Collection method: clinical testing. Allele origin: germline.
Comment: Algorithms developed to predict the effect of missense changes on protein structure and function (SIFT, PolyPhen-2, Align-GVGD) all suggest that this variant is likely to be tolerated, but these predictions have not been confirmed by published functional studies and their clinical significance is uncertain. In summary, the available evidence is currently insufficient to determine the role of this variant in disease. Therefore, it has been classified as a Variant of Uncertain Significance. This variant has not been reported in the literature in individuals with IFT43-related conditions. This sequence change replaces alanine with aspartic acid at codon 33 of the IFT43 protein (p.Ala33Asp). The alanine residue is weakly conserved and there is a moderate physicochemical difference between alanine and aspartic acid. This variant is not present in population databases (ExAC no frequency).